The following is an entry in ClinVar:

NM_000760.4(CSF3R):c.843+3G>A

Gene: CSF3R (colony stimulating factor 3 receptor; minus strand). Cytogenetic location: 1p34.3.
Variant type: single nucleotide variant.
Coding change: c.843+3G>A on transcript NM_000760.4 (MANE Select); 3 bases into the intron after coding-DNA position 843, G replaced by A.
Molecular consequence: intron variant.
Genome position (GRCh38, 1-based): chr1:36,472,514, C>T on the plus strand (G>A on the coding strand, the complement: CSF3R is on the minus strand). VCF-style: chr1-36472514-C-T. GRCh37 (hg19) VCF-style: chr1-36938115-C-T.
Other names: c.843+3G>A (NM_156039.3, NM_172313.3).
Identifiers: ClinVar variation 1059715 (VCV001059715.7), dbSNP rs373601431, ClinGen allele CA20749126.

ClinVar aggregate classification (germline): Uncertain significance (1 of 4 stars; one submission).

Conditions:
Autosomal recessive severe congenital neutropenia due to CSF3R deficiency. Also called: Neutropenia, severe congenital, 7, autosomal recessive. Identifiers: Orphanet 420702, MedGen C4310764, MONDO:0014865, OMIM 617014.

Allele frequency attached by ClinVar (database versions not stated): gnomAD 0.00002; TOPMed 0.00004; ESP Exome Variant Server 0.00008.
gnomAD v4.1: 5 of 1,614,092 alleles (0.00031%); highest among the groups gnomAD compares: Admixed American, 0.0033%; no homozygotes.

Submission:

Labcorp Genetics (formerly Invitae), Labcorp
Classification: Uncertain significance for Autosomal recessive severe congenital neutropenia due to CSF3R deficiency. Last evaluated: 2024-10-15. Review status: criteria provided, single submitter. Criteria: Invitae Variant Classification Sherloc (09022015). Collection method: clinical testing. Allele origin: germline.
Comment: This sequence change falls in intron 7 of the CSF3R gene. It does not directly change the encoded amino acid sequence of the CSF3R protein. It affects a nucleotide within the consensus splice site. This variant is not present in population databases (gnomAD no frequency). This variant has not been reported in the literature in individuals affected with CSF3R-related conditions. ClinVar contains an entry for this variant (Variation ID: 1059715). Variants that disrupt the consensus splice site are a relatively common cause of aberrant splicing (PMID: 17576681, 9536098). Algorithms developed to predict the effect of sequence changes on RNA splicing suggest that this variant is not likely to affect RNA splicing. In summary, the available evidence is currently insufficient to determine the role of this variant in disease. Therefore, it has been classified as a Variant of Uncertain Significance.

Literature cited by the submitters: PubMed 17576681; PubMed 9536098.